The following is an entry in ClinVar:

NM_001498.4(GCLC):c.1478-6C>T

Genes: GCLC (glutamate-cysteine ligase catalytic subunit; minus strand), GCLC-AS1 (GCLC antisense RNA 1; plus strand). Cytogenetic location: 6p12.1.
Variant type: single nucleotide variant.
Coding change: c.1478-6C>T on transcript NM_001498.4 (MANE Select); 6 bases into the intron before coding-DNA position 1478, C replaced by T.
Molecular consequence: intron variant.
Genome position (GRCh38, 1-based): chr6:53,500,356, G>A on the plus strand (C>T on the coding strand, the complement: GCLC is on the minus strand). VCF-style: chr6-53500356-G-A. GRCh37 (hg19) VCF-style: chr6-53365154-G-A.
Other names: p.?; c.1364-6C>T (NM_001197115.2).
Identifiers: ClinVar variation 790349 (VCV000790349.24), dbSNP rs17880746, ClinGen allele CA3860056.

ClinVar aggregate classification (germline): Benign/Likely benign. Review status: criteria provided, multiple submitters, no conflicts (2 of 4 stars). 5 submissions from 5 submitters: Benign (4); Likely benign (1). Last evaluated 2026-01-27.

Allele frequency attached by ClinVar (database versions not stated): gnomAD 0.00218 and 0.00263; ESP Exome Variant Server 0.00246; TOPMed 0.00247; 1000 Genomes Project 30x 0.00250; 1000 Genomes Project 0.00280; gnomAD exomes 0.00328 and 0.00334; ExAC 0.00333.
gnomAD v4.1: 5,336 of 1,613,604 alleles (0.33%); highest among the groups gnomAD compares: South Asian, 1.3%; 28 homozygotes.

Submissions (5):

Labcorp Genetics (formerly Invitae), Labcorp
Classification: Benign. Last evaluated: 2026-01-27. Review status: criteria provided, single submitter. Criteria: Invitae Variant Classification Sherloc (09022015). Collection method: clinical testing. Allele origin: germline.

CeGaT Center for Human Genetics Tuebingen
Classification: Benign. Last evaluated: 2025-08-01. Review status: criteria provided, single submitter. Criteria: CeGaT Center For Human Genetics Tuebingen Variant Classification Criteria Version 2. Collection method: clinical testing. Allele origin: germline. Affected: yes. Observed: 1 variant allele.
Comment: GCLC: BP4, BS1, BS2

ARUP Laboratories, Molecular Genetics and Genomics, ARUP Laboratories
Classification: Benign. Last evaluated: 2025-07-17. Review status: criteria provided, single submitter. Criteria: ARUP Molecular Germline Variant Investigation Process 2024. Collection method: clinical testing. Allele origin: germline.

Blueprint Genetics
Classification: Likely benign. Last evaluated: 2024-11-25. Review status: criteria provided, single submitter. Criteria: ACMG Guidelines, 2015. Collection method: clinical testing. Allele origin: germline.

Mayo Clinic Laboratories, Mayo Clinic
Classification: Benign. Last evaluated: 2022-06-03. Review status: criteria provided, single submitter. Criteria: ACMG Guidelines, 2015. Collection method: clinical testing. Allele origin: germline. Observed: 7 variant alleles.
Comment: BS1, BS2